The following is an entry in ClinVar:

NM_001061.7(TBXAS1):c.184G>T (p.Gly62Cys)

Gene: TBXAS1 (thromboxane A synthase 1; plus strand). Cytogenetic location: 7q34.
Variant type: single nucleotide variant.
Coding change: c.184G>T on transcript NM_001061.7 (MANE Select); coding-DNA position 184, G replaced by T.
Protein change: p.Gly62Cys; replaces glycine 62 with cysteine.
Molecular consequence: missense variant. On other transcripts: 5 prime UTR variant (1).
Genome position (GRCh38, 1-based): chr7:139,875,585, G>T. VCF-style: chr7-139875585-G-T. GRCh37 (hg19) VCF-style: chr7-139575384-G-T.
Other names: c.184G>T, p.Gly62Cys (NM_001130966.5, NM_001166253.4, NM_001366538.2 and 1 more transcripts); c.-18G>T (NM_001166254.4); c.98G>T, p.Gly33Val (NM_001314028.4, NM_001366537.3); c.187G>T (NM_001061.4); short protein forms G33V, G62C, G63C.
Identifiers: ClinVar variation 2422022 (VCV002422022.5), dbSNP rs963029671, ClinGen allele CA167943739.

ClinVar aggregate classification (germline): Uncertain significance. Review status: criteria provided, multiple submitters, no conflicts (2 of 4 stars). 2 submissions from 2 submitters: Uncertain significance (2). Last evaluated 2025-09-17.

Conditions:
Inborn genetic diseases. Identifiers: MedGen C0950123, MeSH D030342.

Allele frequency attached by ClinVar (database versions not stated): gnomAD exomes below 0.00001; TOPMed below 0.00001; gnomAD 0.00001.
gnomAD v4.1: 3 of 1,613,892 alleles (0.00019%); highest among the groups gnomAD compares: Admixed American, 0.0017%; no homozygotes.

Submissions (2):

Labcorp Genetics (formerly Invitae), Labcorp
Classification: Uncertain significance. Last evaluated: 2025-09-17. Review status: criteria provided, single submitter. Criteria: Invitae Variant Classification Sherloc (09022015). Collection method: clinical testing. Allele origin: germline.
Comment: This sequence change replaces glycine, which is neutral and non-polar, with cysteine, which is neutral and slightly polar, at codon 63 of the TBXAS1 protein (p.Gly63Cys). This variant is present in population databases (no rsID available, gnomAD 0.003%). This variant has not been reported in the literature in individuals affected with TBXAS1-related conditions. ClinVar contains an entry for this variant (Variation ID: 2422022). An algorithm developed to predict the effect of missense changes on protein structure and function (PolyPhen-2) suggests that this variant is likely to be disruptive. Algorithms developed to predict the effect of sequence changes on RNA splicing suggest that this variant may disrupt the consensus splice site. In summary, the available evidence is currently insufficient to determine the role of this variant in disease. Therefore, it has been classified as a Variant of Uncertain Significance.

Ambry Genetics
Classification: Uncertain significance for Inborn genetic diseases. Last evaluated: 2024-11-07. Review status: criteria provided, single submitter. Criteria: Ambry Variant Classification Scheme 2023. Collection method: clinical testing. Allele origin: germline.